The following is an entry in ClinVar:

NM_001204.7(BMPR2):c.653A>G (p.Tyr218Cys)

Gene: BMPR2 (bone morphogenetic protein receptor type 2; plus strand). Cytogenetic location: 2q33.2.
Variant type: single nucleotide variant.
Coding change: c.653A>G on transcript NM_001204.7 (MANE Select); coding-DNA position 653, A replaced by G.
Protein change: p.Tyr218Cys; replaces tyrosine 218 with cysteine.
Molecular consequence: missense variant.
Genome position (GRCh38, 1-based): chr2:202,518,853, A>G. VCF-style: chr2-202518853-A-G. GRCh37 (hg19) VCF-style: chr2-203383576-A-G.
Other names: short protein forms Y218C.
Identifiers: ClinVar variation 3992058 (VCV003992058.1).

ClinVar aggregate classification (germline): Uncertain significance (1 of 4 stars; one submission).

Conditions:
Inborn genetic diseases. Identifiers: MedGen C0950123, MeSH D030342.

Submission:

Ambry Genetics
Classification: Uncertain significance for Inborn genetic diseases. Last evaluated: 2025-03-22. Review status: criteria provided, single submitter. Criteria: Ambry Variant Classification Scheme 2023. Collection method: clinical testing. Allele origin: germline.
Comment: The p.Y218C variant (also known as c.653A>G), located in coding exon 6 of the BMPR2 gene, results from an A to G substitution at nucleotide position 653. The tyrosine at codon 218 is replaced by cysteine, an amino acid with highly dissimilar properties. This amino acid position is conserved. In addition, this alteration is predicted to be deleterious by in silico analysis. Based on the available evidence, the clinical significance of this variant remains unclear.